The following is an entry in ClinVar:

NM_199242.3(UNC13D):c.1000G>A (p.Val334Ile)

Gene: UNC13D (unc-13 homolog D; minus strand). Cytogenetic location: 17q25.1.
Variant type: single nucleotide variant.
Coding change: c.1000G>A on transcript NM_199242.3 (MANE Select); coding-DNA position 1000, G replaced by A.
Protein change: p.Val334Ile; replaces valine 334 with isoleucine.
Molecular consequence: missense variant.
Genome position (GRCh38, 1-based): chr17:75,839,894, C>T on the plus strand (G>A on the coding strand, the complement: UNC13D is on the minus strand). VCF-style: chr17-75839894-C-T. GRCh37 (hg19) VCF-style: chr17-73835975-C-T.
Other names: short protein forms V334I.
Identifiers: ClinVar variation 837831 (VCV000837831.8), dbSNP rs373019036, ClinGen allele CA8773172.

ClinVar aggregate classification (germline): Conflicting classifications of pathogenicity. Review status: criteria provided, conflicting classifications (1 of 4 stars). 2 submissions from 2 submitters: Uncertain significance (1); Likely benign (1). Last evaluated 2024-10-29.

Conditions:
Familial hemophagocytic lymphohistiocytosis 3 (FHL3). Also called: UNC13D-Related Familial Hemophagocytic Lymphohistiocytosis (UNC13D-fHLH). Identifiers: Orphanet 540, MedGen C1837174, MONDO:0012146, OMIM 608898.
Inborn genetic diseases. Identifiers: MedGen C0950123, MeSH D030342.

Allele frequency attached by ClinVar (database versions not stated): TOPMed 0.00001; ExAC 0.00002; gnomAD exomes 0.00002; ESP Exome Variant Server 0.00008.
gnomAD v4.1: 13 of 1,613,856 alleles (0.00081%); highest among the groups gnomAD compares: Admixed American, 0.0017%; no homozygotes.

Submissions (2):

Labcorp Genetics (formerly Invitae), Labcorp
Classification: Uncertain significance for Familial hemophagocytic lymphohistiocytosis 3. Last evaluated: 2024-10-29. Review status: criteria provided, single submitter. Criteria: Invitae Variant Classification Sherloc (09022015). Collection method: clinical testing. Allele origin: germline.
Comment: This sequence change replaces valine, which is neutral and non-polar, with isoleucine, which is neutral and non-polar, at codon 334 of the UNC13D protein (p.Val334Ile). This variant is present in population databases (rs373019036, gnomAD 0.01%). This variant has not been reported in the literature in individuals affected with UNC13D-related conditions. ClinVar contains an entry for this variant (Variation ID: 837831). Invitae Evidence Modeling of protein sequence and biophysical properties (such as structural, functional, and spatial information, amino acid conservation, physicochemical variation, residue mobility, and thermodynamic stability) indicates that this missense variant is not expected to disrupt UNC13D protein function with a negative predictive value of 80%. In summary, the available evidence is currently insufficient to determine the role of this variant in disease. Therefore, it has been classified as a Variant of Uncertain Significance.

Ambry Genetics
Classification: Likely benign for Inborn genetic diseases. Last evaluated: 2024-04-09. Review status: criteria provided, single submitter. Criteria: Ambry Variant Classification Scheme 2023. Collection method: clinical testing. Allele origin: germline.